The following is an entry in ClinVar:

ClinVar aggregate classification (germline): Likely pathogenic (1 of 4 stars; one submission).

Conditions:
Glycogen storage disease, type II (IOPD). Also called: Glucosidase acid-1,4-alpha deficiency; Pompe Disease; CARDIOMEGALIA GLYCOGENICA DIFFUSA; Glycogen storage disease type 2; Acid maltase deficiency disease; Aglucosidase alfa. Identifiers: Orphanet 365, MedGen C0017921, MONDO:0009290, OMIM 232300.

Submission:

Natera, Inc.
Classification: Likely pathogenic for Glycogen storage disease type II. Last evaluated: 2025-11-18. Review status: criteria provided, single submitter. Criteria: Natera Variant Classification Schema (03/2026). Collection method: clinical testing. Allele origin: germline.
Comment: The c.2643del variant in GAA is a frameshift variant predicted to shift the reading frame beginning at codon 882 and leads to a stop codon 5 codons downstream. This variant is expected to result in nonsense mediated decay, truncation, or a dysfunctional protein product. This variant is rare in the general population with a frequency below the threshold expected for the associated phenotype(s). Given the available evidence, this variant is classified as Likely Pathogenic.

NM_000152.5(GAA):c.2643del (p.Asn882fs)

Gene: GAA (alpha glucosidase; plus strand). Cytogenetic location: 17q25.3.
Variant type: Deletion.
Coding change: c.2643del on transcript NM_000152.5 (MANE Select); coding-DNA position 2643, one base deleted (G; older notation c.2643delG).
Protein change: p.Asn882fs; shifts the reading frame from asparagine 882.
Molecular consequence: frameshift variant.
Genome position (GRCh38, 1-based): chr17:80,118,354, G deleted; the last of 2 consecutive G bases (chr17:80,118,353-80,118,354); deleting either gives the same sequence. VCF-style (leftmost placement, unchanged base first): chr17-80118352-AG-A. GRCh37 (hg19) VCF-style: chr17-78092151-AG-A.
Other names: c.2643del, p.Asn882fs (NM_001079803.3, NM_001079804.3, NM_001406741.1 and 1 more transcripts); short protein forms N882fs.
Identifiers: ClinVar variation 4817590 (VCV004817590.1).